The following is an entry in ClinVar:

NM_002645.4(PIK3C2A):c.2254T>C (p.Ser752Pro)

Gene: PIK3C2A (phosphatidylinositol-4-phosphate 3-kinase catalytic subunit type 2 alpha; minus strand). Cytogenetic location: 11p15.1.
Variant type: single nucleotide variant.
Coding change: c.2254T>C on transcript NM_002645.4 (MANE Select); coding-DNA position 2254, T replaced by C.
Protein change: p.Ser752Pro; replaces serine 752 with proline.
Molecular consequence: missense variant. On other transcripts: intron variant (1).
Genome position (GRCh38, 1-based): chr11:17,129,445, A>G on the plus strand (T>C on the coding strand, the complement: PIK3C2A is on the minus strand). VCF-style: chr11-17129445-A-G. GRCh37 (hg19) VCF-style: chr11-17150992-A-G.
Other names: c.2254T>C, p.Ser752Pro (NM_001321378.2); c.1114T>C, p.Ser372Pro (NM_001321380.2); c.2231+2471T>C (NM_001386870.1); short protein forms S372P, S752P.
Identifiers: ClinVar variation 1944231 (VCV001944231.4), dbSNP rs766120676, ClinGen allele CA5901141.
Genomic context (GRCh38, chr11:17,129,445, plus strand): 5'-TGCTCTGATTTAAAATTCCAAAAAGAGTAAGGTGAAGAACTGATTCTAATGGCAATTGTG[A>G]TATCTGGATAGGAAAAATGATTCTATGGGGGGAAAAATGTATTAATAGAACAAATTAGAT-3'
Protein context (NP_002636.2, residues 742-762): DELIIFPIQI[Ser752Pro]QLPLESVLHL

ClinVar aggregate classification (germline): Uncertain significance (1 of 4 stars; one submission).

Allele frequency attached by ClinVar (database versions not stated): TOPMed 0.00001; ExAC 0.00002.
gnomAD v4.1: 16 of 1,605,884 alleles (0.001%); highest among the groups gnomAD compares: Non-Finnish European, 0.0012%; no homozygotes.

Submission:

Labcorp Genetics (formerly Invitae), Labcorp
Classification: Uncertain significance. Last evaluated: 2022-08-02. Review status: criteria provided, single submitter. Criteria: Invitae Variant Classification Sherloc (09022015). Collection method: clinical testing. Allele origin: germline.
Comment: In summary, the available evidence is currently insufficient to determine the role of this variant in disease. Therefore, it has been classified as a Variant of Uncertain Significance. Algorithms developed to predict the effect of missense changes on protein structure and function are either unavailable or do not agree on the potential impact of this missense change (SIFT: "Not Available"; PolyPhen-2: "Probably Damaging"; Align-GVGD: "Not Available"). This variant has not been reported in the literature in individuals affected with PIK3C2A-related conditions. This variant is present in population databases (rs766120676, gnomAD 0.002%). This sequence change replaces serine, which is neutral and polar, with proline, which is neutral and non-polar, at codon 752 of the PIK3C2A protein (p.Ser752Pro).